The following is an entry in ClinVar:

ClinVar aggregate classification (germline): Benign (1 of 4 stars; one submission).

Submission:

Laboratory for Molecular Medicine, Mass General Brigham Personalized Medicine
Classification: Benign. Last evaluated: 2016-03-29. Review status: criteria provided, single submitter. Criteria: LMM Criteria. Collection method: clinical testing. Allele origin: germline.
Comment: Variant identified in a genome or exome case(s) and assessed due to predicted null impact of the variant or pathogenic assertions in the literature or databases. Disclaimer: This variant has not undergone full assessment. The following are preliminary notes: Frequency in ESP (all): 11704/11710=99.9%

NM_007098.4(CLTCL1):c.3601-1dup

Gene: CLTCL1 (clathrin heavy chain like 1; minus strand). Cytogenetic location: 22q11.21.
Variant type: Duplication.
Coding change: c.3601-1dup on transcript NM_007098.4 (MANE Select); the canonical splice acceptor site of the intron before coding-DNA position 3601, one base duplicated (G; older notation c.3601-1dupG).
Molecular consequence: splice acceptor variant.
Genome position (GRCh38, 1-based): chr22:19,201,493, C duplicated on the plus strand (G on the coding strand, the reverse complement: CLTCL1 is on the minus strand); the first of 2 consecutive C bases (chr22:19,201,493-19,201,494); duplicating either gives the same sequence. VCF-style (leftmost placement, unchanged base first): chr22-19201492-A-AC. GRCh37 (hg19) VCF-style: chr22-19189003-A-ACC.
Other names: p.Val1201GlyfsX19; c.3601-1dup (NM_001835.4).
Identifiers: ClinVar variation 402548 (VCV000402548.4), dbSNP rs11386977, ClinGen allele CA16609790.